The following is an entry in ClinVar:

ClinVar aggregate classification (germline): Uncertain significance. Review status: criteria provided, multiple submitters, no conflicts (2 of 4 stars). 2 submissions from 2 submitters: Uncertain significance (2). Last evaluated 2026-01-27.

Conditions:
Inborn genetic diseases. Identifiers: MedGen C0950123, MeSH D030342.
Immunodeficiency-centromeric instability-facial anomalies syndrome 2 (ICF2). Identifiers: Orphanet 2268, MedGen C3279748, MONDO:0013553, OMIM 614069.

Allele frequency attached by ClinVar (database versions not stated): gnomAD exomes below 0.00001; ExAC 0.00001; TOPMed 0.00002; gnomAD 0.00001.

Submissions (2):

Labcorp Genetics (formerly Invitae), Labcorp
Classification: Uncertain significance for Immunodeficiency-centromeric instability-facial anomalies syndrome 2. Last evaluated: 2026-01-27. Review status: criteria provided, single submitter. Criteria: Invitae Variant Classification Sherloc (09022015). Collection method: clinical testing. Allele origin: germline.
Comment: This sequence change replaces glutamic acid, which is acidic and polar, with lysine, which is basic and polar, at codon 347 of the ZBTB24 protein (p.Glu347Lys). This variant is present in population databases (rs761960881, gnomAD 0.005%). This variant has not been reported in the literature in individuals affected with ZBTB24-related conditions. ClinVar contains an entry for this variant (Variation ID: 1977770). An algorithm developed to predict the effect of missense changes on protein structure and function (PolyPhen-2) suggests that this variant is likely to be disruptive. In summary, the available evidence is currently insufficient to determine the role of this variant in disease. Therefore, it has been classified as a Variant of Uncertain Significance.

Ambry Genetics
Classification: Uncertain significance for Inborn genetic diseases. Last evaluated: 2023-02-28. Review status: criteria provided, single submitter. Criteria: Ambry Variant Classification Scheme 2023. Collection method: clinical testing. Allele origin: germline.

NM_014797.3(ZBTB24):c.1039G>A (p.Glu347Lys)

Gene: ZBTB24 (zinc finger and BTB domain containing 24; minus strand). Cytogenetic location: 6q21.
Variant type: single nucleotide variant.
Coding change: c.1039G>A on transcript NM_014797.3 (MANE Select); coding-DNA position 1039, G replaced by A.
Protein change: p.Glu347Lys; replaces glutamic acid 347 with lysine.
Molecular consequence: missense variant.
Genome position (GRCh38, 1-based): chr6:109,476,844, C>T on the plus strand (G>A on the coding strand, the complement: ZBTB24 is on the minus strand). VCF-style: chr6-109476844-C-T. GRCh37 (hg19) VCF-style: chr6-109798047-C-T.
Other names: short protein forms E347K.
Identifiers: ClinVar variation 1977770 (VCV001977770.5), dbSNP rs761960881, ClinGen allele CA3954207.